The following is an entry in ClinVar:

NM_017947.4(MOCOS):c.2327G>A (p.Arg776His)

Gene: MOCOS (molybdenum cofactor sulfurase; plus strand). Cytogenetic location: 18q12.2.
Variant type: single nucleotide variant.
Coding change: c.2327G>A on transcript NM_017947.4 (MANE Select); coding-DNA position 2327, G replaced by A.
Protein change: p.Arg776His; replaces arginine 776 with histidine.
Molecular consequence: missense variant.
Genome position (GRCh38, 1-based): chr18:36,260,093, G>A. VCF-style: chr18-36260093-G-A. GRCh37 (hg19) VCF-style: chr18-33840056-G-A.
Other names: p.Arg776His; short protein forms R776H.
Identifiers: ClinVar variation 860197 (VCV000860197.7), dbSNP rs776357546, ClinGen allele CA8941022.
Genomic context (GRCh38, chr18:36,260,093, plus strand): 5'-TCAGTGATGAGAATGGAAAGGAGGAATTATTCTCACTGAAGGATCTCAGCTTGCGTTTTC[G>A]TGCCAATATTATTATCAATGGAAAAAGGGCTTTTGAAGAAGAGAAATGGGATGAGATTTC-3'
Protein context (NP_060417.4, residues 766-786): FSLKDLSLRF[Arg776His]ANIIINGKRA

ClinVar aggregate classification (germline): Uncertain significance. Review status: criteria provided, multiple submitters, no conflicts (2 of 4 stars). 3 submissions from 3 submitters: Uncertain significance (3). Last evaluated 2026-01-12.

Conditions:
Xanthinuria type II. Also called: Xanthine dehydrogenase and aldehyde oxidase combined deficiency of; XDH and AOX dual deficiency. Identifiers: Orphanet 3467, Orphanet 93602, MedGen C1863688, MONDO:0011346, OMIM 603592.

Allele frequency attached by ClinVar (database versions not stated): ExAC 0.00006; gnomAD 0.00012 and 0.00014; gnomAD exomes 0.00014; TOPMed 0.00018.
gnomAD v4.1: 121 of 1,614,036 alleles (0.0075%); highest among the groups gnomAD compares: Admixed American, 0.062%; no homozygotes.

Submissions (3):

Labcorp Genetics (formerly Invitae), Labcorp
Classification: Uncertain significance for Xanthinuria type II. Last evaluated: 2026-01-12. Review status: criteria provided, single submitter. Criteria: Invitae Variant Classification Sherloc (09022015). Collection method: clinical testing. Allele origin: germline.
Comment: This sequence change replaces arginine, which is basic and polar, with histidine, which is basic and polar, at codon 776 of the MOCOS protein (p.Arg776His). This variant is present in population databases (rs776357546, gnomAD 0.06%). This variant has not been reported in the literature in individuals affected with MOCOS-related conditions. ClinVar contains an entry for this variant (Variation ID: 860197). Invitae Evidence Modeling of protein sequence and biophysical properties (such as structural, functional, and spatial information, amino acid conservation, physicochemical variation, residue mobility, and thermodynamic stability) indicates that this missense variant is expected to disrupt MOCOS protein function with a positive predictive value of 80%. This variant disrupts the p.Arg776 amino acid residue in MOCOS. Other variant(s) that disrupt this residue have been determined to be pathogenic (PMID: 17368066). This suggests that this residue is clinically significant, and that variants that disrupt this residue are likely to be disease-causing. In summary, the available evidence is currently insufficient to determine the role of this variant in disease. Therefore, it has been classified as a Variant of Uncertain Significance.

Mayo Clinic Laboratories, Mayo Clinic
Classification: Uncertain significance. Last evaluated: 2025-07-25. Review status: criteria provided, single submitter. Criteria: ACMG Guidelines, 2015. Collection method: clinical testing. Allele origin: germline. Observed: 1 variant allele.

Breakthrough Genomics
Classification: Uncertain significance. Review status: criteria provided, single submitter. Criteria: ACMG Guidelines, 2015. Collection method: not provided. Allele origin: germline. Inheritance: Autosomal recessive inheritance. Affected: yes.

Literature cited by the submitters: PubMed 17368066 (cited by Labcorp Genetics (formerly Invitae), Labcorp).